The following is an entry in ClinVar:

NM_005585.5(SMAD6):c.598G>A (p.Gly200Ser)

Gene: SMAD6 (SMAD family member 6; plus strand). Cytogenetic location: 15q22.31.
Variant type: single nucleotide variant.
Coding change: c.598G>A on transcript NM_005585.5 (MANE Select); coding-DNA position 598, G replaced by A.
Protein change: p.Gly200Ser; replaces glycine 200 with serine.
Molecular consequence: missense variant. On other transcripts: non-coding transcript variant (1).
Genome position (GRCh38, 1-based): chr15:66,703,856, G>A. VCF-style: chr15-66703856-G-A. GRCh37 (hg19) VCF-style: chr15-66996194-G-A.
Other names: short protein forms G200S.
Identifiers: ClinVar variation 848092 (VCV000848092.11), dbSNP rs1039327779, ClinGen allele CA271683217.

ClinVar aggregate classification (germline): Uncertain significance. Review status: criteria provided, multiple submitters, no conflicts (2 of 4 stars). 2 submissions from 2 submitters: Uncertain significance (2). Last evaluated 2025-06-01.

Conditions:
Inborn genetic diseases. Identifiers: MedGen C0950123, MeSH D030342.
Aortic valve disease 2 (AOVD2). Identifiers: MedGen C3542024, MONDO:0013902, OMIM 614823.

Allele frequency attached by ClinVar (database versions not stated): gnomAD 0.00001; TOPMed 0.00003.
gnomAD v4.1: 49 of 1,346,562 alleles (0.0036%); highest among the groups gnomAD compares: Middle Eastern, 0.022%; no homozygotes.

Submissions (2):

Labcorp Genetics (formerly Invitae), Labcorp
Classification: Uncertain significance for Aortic valve disease 2. Last evaluated: 2025-06-01. Review status: criteria provided, single submitter. Criteria: Invitae Variant Classification Sherloc (09022015). Collection method: clinical testing. Allele origin: germline.
Comment: This sequence change replaces glycine, which is neutral and non-polar, with serine, which is neutral and polar, at codon 200 of the SMAD6 protein (p.Gly200Ser). The frequency data for this variant in the population databases is considered unreliable, as metrics indicate poor data quality at this position in the gnomAD database. This variant has not been reported in the literature in individuals affected with SMAD6-related conditions. ClinVar contains an entry for this variant (Variation ID: 848092). Invitae Evidence Modeling of protein sequence and biophysical properties (such as structural, functional, and spatial information, amino acid conservation, physicochemical variation, residue mobility, and thermodynamic stability) indicates that this missense variant is not expected to disrupt SMAD6 protein function with a negative predictive value of 80%. In summary, the available evidence is currently insufficient to determine the role of this variant in disease. Therefore, it has been classified as a Variant of Uncertain Significance.

Ambry Genetics
Classification: Uncertain significance for Inborn genetic diseases. Last evaluated: 2024-03-10. Review status: criteria provided, single submitter. Criteria: Ambry Variant Classification Scheme 2023. Collection method: clinical testing. Allele origin: germline.
Comment: The p.G200S variant (also known as c.598G>A), located in coding exon 1 of the SMAD6 gene, results from a G to A substitution at nucleotide position 598. The glycine at codon 200 is replaced by serine, an amino acid with similar properties. This amino acid position is conserved. In addition, this alteration is predicted to be tolerated by in silico analysis. Since supporting evidence is limited at this time, the clinical significance of this alteration remains unclear.